The following is an entry in ClinVar:

NM_001134407.3(GRIN2A):c.3647G>A (p.Ser1216Asn)

Gene: GRIN2A (glutamate ionotropic receptor NMDA type subunit 2A; minus strand). Cytogenetic location: 16p13.2.
Variant type: single nucleotide variant.
Coding change: c.3647G>A on transcript NM_001134407.3 (MANE Select); coding-DNA position 3647, G replaced by A.
Protein change: p.Ser1216Asn; replaces serine 1216 with asparagine.
Molecular consequence: missense variant.
Genome position (GRCh38, 1-based): chr16:9,763,897, C>T on the plus strand (G>A on the coding strand, the complement: GRIN2A is on the minus strand). VCF-style: chr16-9763897-C-T. GRCh37 (hg19) VCF-style: chr16-9857754-C-T.
Other names: c.3647G>A, p.Ser1216Asn (NM_000833.5, NM_001134408.2); short protein forms S1216N.
Identifiers: ClinVar variation 3636873 (VCV003636873.2).

ClinVar aggregate classification (germline): Uncertain significance (1 of 4 stars; one submission).

Conditions:
Landau-Kleffner syndrome (FESD). Also called: EPILEPSY, FOCAL, WITH SPEECH DISORDER AND WITH OR WITHOUT MENTAL RETARDATION; APHASIA, ACQUIRED, WITH EPILEPSY. Identifiers: Orphanet 1945, Orphanet 725, Orphanet 98818, MedGen C0282512, MONDO:0009509, OMIM 245570.

gnomAD v4.1: 2 of 1,614,150 alleles (0.00012%); highest among the groups gnomAD compares: Non-Finnish European, 0.00017%; no homozygotes.

Submission:

Labcorp Genetics (formerly Invitae), Labcorp
Classification: Uncertain significance for Landau-Kleffner syndrome. Last evaluated: 2025-10-16. Review status: criteria provided, single submitter. Criteria: Invitae Variant Classification Sherloc (09022015). Collection method: clinical testing. Allele origin: germline.
Comment: This sequence change replaces serine, which is neutral and polar, with asparagine, which is neutral and polar, at codon 1216 of the GRIN2A protein (p.Ser1216Asn). This variant is present in population databases (rs367543134, gnomAD 0.0009%). This variant has not been reported in the literature in individuals affected with GRIN2A-related conditions. ClinVar contains an entry for this variant (Variation ID: 3636873). Invitae Evidence Modeling of protein sequence and biophysical properties (such as structural, functional, and spatial information, amino acid conservation, physicochemical variation, residue mobility, and thermodynamic stability) indicates that this missense variant is not expected to disrupt GRIN2A protein function with a negative predictive value of 95%. In summary, the available evidence is currently insufficient to determine the role of this variant in disease. Therefore, it has been classified as a Variant of Uncertain Significance.